The following is an entry in ClinVar:

NM_001391958.1(NLRP10):c.289+41G>T

Gene: NLRP10 (NLR family pyrin domain containing 10; minus strand). Cytogenetic location: 11p15.4.
Variant type: single nucleotide variant.
Coding change: c.289+41G>T on transcript NM_001391958.1 (MANE Select); 41 bases into the intron after coding-DNA position 289, G replaced by T.
Molecular consequence: intron variant.
Genome position (GRCh38, 1-based): chr11:7,963,166, C>A on the plus strand (G>T on the coding strand, the complement: NLRP10 is on the minus strand). VCF-style: chr11-7963166-C-A. GRCh37 (hg19) VCF-style: chr11-7984713-C-A.
Other names: c.289+41G>T (NM_176821.4).
Identifiers: ClinVar variation 103338 (VCV000103338.2), dbSNP rs199476232, ClinGen allele CA230439.
Genomic context (GRCh38, chr11:7,963,166, plus strand): 5'-AGAAGGCATAAGGTACAGGCTACAGGCAGCTCTGGAAATGCCATGGTGGGAGGGGAGTCC[C>A]AGTGCCATCCTGCCCTCCCCTTCCCCCGCTCCACACTCACCATGCAGACAAATATGGCTG-3'

ClinVar aggregate classification (germline): not provided (0 of 4 stars; one submission).

Allele frequency attached by ClinVar (database versions not stated): gnomAD exomes below 0.00001 and 0.00001; gnomAD 0.00001; TOPMed 0.00001; ExAC 0.00002.
gnomAD v4.1: 9 of 1,578,028 alleles (0.00057%); highest among the groups gnomAD compares: South Asian, 0.0023%; no homozygotes.

Submission:

Human Evolutionary Genetics, Institut Pasteur
No classification provided. Review status: no classification provided. Collection method: not provided. Allele origin: germline.
ClinVar note: Converted during submission from untested to not provided.